The following is an entry in ClinVar:

ClinVar aggregate classification (germline): Uncertain significance (1 of 4 stars; one submission).

Conditions:
Cardiovascular phenotype. Identifiers: MedGen CN230736.

Submission:

Ambry Genetics
Classification: Uncertain significance for Cardiovascular phenotype. Last evaluated: 2026-02-13. Review status: criteria provided, single submitter. Criteria: Ambry Variant Classification Scheme 2023. Collection method: clinical testing. Allele origin: germline.
Comment: The p.K1193N variant (also known as c.3579G>C), located in coding exon 10 of the AKAP9 gene, results from a G to C substitution at nucleotide position 3579. The lysine at codon 1193 is replaced by asparagine, an amino acid with similar properties. This amino acid position is conserved. In addition, this alteration is predicted to be tolerated by in silico analysis. Based on the available evidence, the clinical significance of this variant remains unclear.

NM_005751.5(AKAP9):c.3579G>C (p.Lys1193Asn)

Gene: AKAP9 (A-kinase anchoring protein 9; plus strand). Cytogenetic location: 7q21.2.
Variant type: single nucleotide variant.
Coding change: c.3579G>C on transcript NM_005751.5 (MANE Select); coding-DNA position 3579, G replaced by C.
Protein change: p.Lys1193Asn; replaces lysine 1193 with asparagine.
Molecular consequence: missense variant.
Genome position (GRCh38, 1-based): chr7:92,014,295, G>C. VCF-style: chr7-92014295-G-C. GRCh37 (hg19) VCF-style: chr7-91643609-G-C.
Other names: c.3579G>C, p.Lys1193Asn (NM_147185.3); short protein forms K1193N.
Identifiers: ClinVar variation 4845170 (VCV004845170.1).
Genomic context (GRCh38, chr7:92,014,295, plus strand): 5'-ATCTGTTCTATTAGGTGATGAAGGAAAGCCTTTACATCTGCTCATTGGAAAACTTCAAAA[G>C]GCAGTGTCTGAAGAATGTTCTTATTTTTTACAGGTAAAATGTTTAAAAGTACTTTTATGG-3'
Protein context (NP_005742.4, residues 1183-1203): PLHLLIGKLQ[Lys1193Asn]AVSEECSYFL